The following is an entry in ClinVar:

ClinVar aggregate classification (germline): Uncertain significance. Review status: criteria provided, multiple submitters, no conflicts (2 of 4 stars). 3 submissions from 3 submitters: Uncertain significance (3). Last evaluated 2025-05-19.

Allele frequency attached by ClinVar (database versions not stated): gnomAD exomes below 0.00001; gnomAD 0.00001; TOPMed 0.00001.
gnomAD v4.1: 3 of 1,614,044 alleles (0.00019%); highest among the groups gnomAD compares: African/African-American, 0.004%; no homozygotes.

Submissions (3):

Ambry Genetics
Classification: Uncertain significance. Last evaluated: 2025-05-19. Review status: criteria provided, single submitter. Criteria: Ambry Variant Classification Scheme 2023. Collection method: clinical testing. Allele origin: germline.

Mayo Clinic Laboratories, Mayo Clinic
Classification: Uncertain significance. Last evaluated: 2023-09-13. Review status: criteria provided, single submitter. Criteria: ACMG Guidelines, 2015. Collection method: clinical testing. Allele origin: germline. Observed: 1 variant allele.
Comment: PM2_moderate

Labcorp Genetics (formerly Invitae), Labcorp
Classification: Uncertain significance. Last evaluated: 2022-02-09. Review status: criteria provided, single submitter. Criteria: Invitae Variant Classification Sherloc (09022015). Collection method: clinical testing. Allele origin: germline.
Comment: This variant has not been reported in the literature in individuals affected with KIF23-related conditions. This variant is present in population databases (no rsID available, gnomAD 0.008%). This sequence change replaces alanine, which is neutral and non-polar, with threonine, which is neutral and polar, at codon 316 of the KIF23 protein (p.Ala316Thr). Algorithms developed to predict the effect of missense changes on protein structure and function are either unavailable or do not agree on the potential impact of this missense change (SIFT: "Tolerated"; PolyPhen-2: "Possibly Damaging"; Align-GVGD: "Class C0"). In summary, the available evidence is currently insufficient to determine the role of this variant in disease. Therefore, it has been classified as a Variant of Uncertain Significance.

NM_001367805.3(KIF23):c.988G>A (p.Ala330Thr)

Gene: KIF23 (kinesin family member 23; plus strand). Cytogenetic location: 15q23.
Variant type: single nucleotide variant.
Coding change: c.988G>A on transcript NM_001367805.3 (MANE Select); coding-DNA position 988, G replaced by A.
Protein change: p.Ala330Thr; replaces alanine 330 with threonine.
Molecular consequence: missense variant. On other transcripts: non-coding transcript variant (2).
Genome position (GRCh38, 1-based): chr15:69,426,434, G>A. VCF-style: chr15-69426434-G-A. GRCh37 (hg19) VCF-style: chr15-69718773-G-A.
Other names: p.Ala316Thr; c.946G>A (NM_138555.2); c.616G>A, p.Ala206Thr (NM_001281301.2); c.946G>A, p.Ala316Thr (NM_001367804.2, NM_004856.7, NM_138555.4); short protein forms A206T, A316T, A330T.
Identifiers: ClinVar variation 1916513 (VCV001916513.7), dbSNP rs1157804939, ClinGen allele CA393005067.